The following is an entry in ClinVar:

NM_001384474.1(LOXHD1):c.2174A>G (p.Asn725Ser)

Gene: LOXHD1 (lipoxygenase homology PLAT domains 1; minus strand). Cytogenetic location: 18q21.1.
Variant type: single nucleotide variant.
Coding change: c.2174A>G on transcript NM_001384474.1 (MANE Select); coding-DNA position 2174, A replaced by G.
Protein change: p.Asn725Ser; replaces asparagine 725 with serine.
Molecular consequence: missense variant.
Genome position (GRCh38, 1-based): chr18:46,569,512, T>C on the plus strand (A>G on the coding strand, the complement: LOXHD1 is on the minus strand). VCF-style: chr18-46569512-T-C. GRCh37 (hg19) VCF-style: chr18-44149475-T-C.
Other names: c.2174A>G, p.Asn725Ser (NM_144612.7); short protein forms N725S.
Identifiers: ClinVar variation 889357 (VCV000889357.5), dbSNP rs141137527, ClinGen allele CA299797758.

ClinVar aggregate classification (germline): Uncertain significance. Review status: criteria provided, multiple submitters, no conflicts (2 of 4 stars). 2 submissions from 2 submitters: Uncertain significance (2). Last evaluated 2026-02-13.

Conditions:
LOXHD1-related disorder. Also called: LOXHD1-related condition.
Autosomal recessive nonsyndromic hearing loss 77. Identifiers: Orphanet 90636, MedGen C2746083, MONDO:0013119, OMIM 613079.

Allele frequency attached by ClinVar (database versions not stated): TOPMed 0.00002; gnomAD 0.00003 and 0.00006; gnomAD exomes 0.00004 and 0.00014; 1000 Genomes Project 30x 0.00016; 1000 Genomes Project 0.00020.
gnomAD v4.1: 193 of 1,552,162 alleles (0.012%); highest among the groups gnomAD compares: East Asian, 0.46%; no homozygotes.

Submissions (2):

PreventionGenetics, part of Exact Sciences
Classification: Uncertain significance for LOXHD1-related condition. Last evaluated: 2026-02-13. Review status: criteria provided, single submitter. Criteria: ACMG Guidelines, 2015. Collection method: clinical testing. Allele origin: germline.
Comment: The LOXHD1 c.2174A>G variant is predicted to result in the amino acid substitution p.Asn725Ser. To our knowledge, this variant has not been reported in the literature. This variant is reported in 0.062% of alleles in individuals of East Asian descent in gnomAD. Although we suspect that this variant may be benign, at this time, the clinical significance of this variant is uncertain due to the absence of conclusive functional and genetic evidence.

Illumina Laboratory Services, Illumina
Classification: Uncertain significance for Autosomal recessive nonsyndromic hearing loss 77. Last evaluated: 2017-04-27. Review status: criteria provided, single submitter. Criteria: ICSL Variant Classification Criteria 13 December 2019. Collection method: clinical testing. Allele origin: germline.